The following is an entry in ClinVar:

NM_005141.5(FGB):c.1189A>G (p.Met397Val)

Gene: FGB (fibrinogen beta chain; plus strand). Cytogenetic location: 4q31.3.
Variant type: single nucleotide variant.
Coding change: c.1189A>G on transcript NM_005141.5 (MANE Select); coding-DNA position 1189, A replaced by G.
Protein change: p.Met397Val; replaces methionine 397 with valine.
Molecular consequence: missense variant. On other transcripts: intron variant (1).
Genome position (GRCh38, 1-based): chr4:154,569,744, A>G. VCF-style: chr4-154569744-A-G. GRCh37 (hg19) VCF-style: chr4-155490896-A-G.
Other names: c.1012A>G, p.Met338Val (NM_001184741.1); c.1057A>G, p.Met353Val (NM_001382759.1); c.1189A>G, p.Met397Val (NM_001382760.1, NM_001382761.1, NM_001382765.1); c.889A>G, p.Met297Val (NM_001382762.1); c.1180A>G, p.Met394Val (NM_001382763.1); c.1081-29A>G (NM_001382764.1); short protein forms M394V, M353V, M297V, M338V, M397V.
Identifiers: ClinVar variation 3717420 (VCV003717420.2).

ClinVar aggregate classification (germline): Uncertain significance (1 of 4 stars; one submission).

Submission:

Labcorp Genetics (formerly Invitae), Labcorp
Classification: Uncertain significance. Last evaluated: 2024-07-15. Review status: criteria provided, single submitter. Criteria: Invitae Variant Classification Sherloc (09022015). Collection method: clinical testing. Allele origin: germline.
Comment: This sequence change replaces methionine, which is neutral and non-polar, with valine, which is neutral and non-polar, at codon 397 of the FGB protein (p.Met397Val). This variant is present in population databases (rs200112613, gnomAD 0.0009%). This variant has not been reported in the literature in individuals affected with FGB-related conditions. Advanced modeling of protein sequence and biophysical properties (such as structural, functional, and spatial information, amino acid conservation, physicochemical variation, residue mobility, and thermodynamic stability) has been performed at Invitae for this missense variant, however the output from this modeling did not meet the statistical confidence thresholds required to predict the impact of this variant on FGB protein function. In summary, the available evidence is currently insufficient to determine the role of this variant in disease. Therefore, it has been classified as a Variant of Uncertain Significance.